The following is an entry in ClinVar:

ClinVar aggregate classification (germline): Likely benign. Review status: criteria provided, single submitter (1 of 4 stars). 2 submissions from 2 submitters: Likely benign (1). 1 of the submissions does not count toward it. Last evaluated 2025-03-31.

Conditions:
COQ8A-related disorder. Also called: COQ8A-related condition.

Submissions (2):

Labcorp Genetics (formerly Invitae), Labcorp
Classification: Likely benign. Last evaluated: 2025-03-31. Review status: criteria provided, single submitter. Criteria: Invitae Variant Classification Sherloc (09022015). Collection method: clinical testing. Allele origin: germline.

PreventionGenetics, part of Exact Sciences
Classification: Likely benign for COQ8A-related condition. Last evaluated: 2020-04-20. Review status: no assertion criteria provided. Collection method: clinical testing. Allele origin: germline. Not counted in ClinVar's aggregate classification.
Comment: This variant is classified as likely benign based on ACMG/AMP sequence variant interpretation guidelines (Richards et al. 2015 PMID: 25741868, with internal and published modifications).

NM_020247.5(COQ8A):c.1163-5C>T

Gene: COQ8A (coenzyme Q8A; plus strand). Cytogenetic location: 1q42.13.
Variant type: single nucleotide variant.
Coding change: c.1163-5C>T on transcript NM_020247.5 (MANE Select); 5 bases into the intron before coding-DNA position 1163, C replaced by T.
Molecular consequence: intron variant.
Genome position (GRCh38, 1-based): chr1:226,983,756, C>T. VCF-style: chr1-226983756-C-T. GRCh37 (hg19) VCF-style: chr1-227171457-C-T.
Other names: c.1163-5C>T (NM_020247.4).
Identifiers: ClinVar variation 1969019 (VCV001969019.7), dbSNP rs1191431966, ClinGen allele CA732365421.
Genomic context (GRCh38, chr1:226,983,756, plus strand): 5'-GGGGACCAGAGGGGGTCCTCCCTGCAGAGCCCCCTTCCTCGCTGATGCCCTCCTCCCTGG[C>T]CCAGGCCTGTTCCCCGAGCACCTGATCGACGTGCTGAGGCGGGAGCTGGCCCTGGAGTGT-3'